The following is an entry in ClinVar:

ClinVar aggregate classification (germline): Uncertain significance (1 of 4 stars; one submission).

Conditions:
Long QT syndrome (LQTS). Identifiers: MedGen C0023976, MeSH D008133, MONDO:0002442. Disease mechanism: loss of function. Inheritance: Various modes of inheritance.

Allele frequency attached by ClinVar (database versions not stated): gnomAD exomes below 0.00001; ExAC 0.00001.
gnomAD v4.1: 1 of 1,614,002 alleles (0.000062%); highest among the groups gnomAD compares: Admixed American, 0.0017%; no homozygotes.

Submission:

Labcorp Genetics (formerly Invitae), Labcorp
Classification: Uncertain significance for Long QT syndrome. Last evaluated: 2022-07-19. Review status: criteria provided, single submitter. Criteria: Invitae Variant Classification Sherloc (09022015). Collection method: clinical testing. Allele origin: germline.
Comment: In summary, the available evidence is currently insufficient to determine the role of this variant in disease. Therefore, it has been classified as a Variant of Uncertain Significance. Algorithms developed to predict the effect of missense changes on protein structure and function are either unavailable or do not agree on the potential impact of this missense change (SIFT: "Deleterious"; PolyPhen-2: "Benign"; Align-GVGD: "Class C0"). ClinVar contains an entry for this variant (Variation ID: 1435652). This variant has not been reported in the literature in individuals affected with AKAP9-related conditions. This variant is present in population databases (rs763247535, gnomAD 0.003%). This sequence change replaces glutamine, which is neutral and polar, with arginine, which is basic and polar, at codon 455 of the AKAP9 protein (p.Gln455Arg).

NM_005751.5(AKAP9):c.1364A>G (p.Gln455Arg)

Gene: AKAP9 (A-kinase anchoring protein 9; plus strand). Cytogenetic location: 7q21.2.
Variant type: single nucleotide variant.
Coding change: c.1364A>G on transcript NM_005751.5 (MANE Select); coding-DNA position 1364, A replaced by G.
Protein change: p.Gln455Arg; replaces glutamine 455 with arginine.
Molecular consequence: missense variant.
Genome position (GRCh38, 1-based): chr7:92,001,281, A>G. VCF-style: chr7-92001281-A-G. GRCh37 (hg19) VCF-style: chr7-91630595-A-G.
Other names: c.1364A>G, p.Gln455Arg (NM_147185.3); short protein forms Q455R.
Identifiers: ClinVar variation 1435652 (VCV001435652.8), dbSNP rs763247535, ClinGen allele CA4336004.
Genomic context (GRCh38, chr7:92,001,281, plus strand): 5'-CAGAGCTGGATGAGATGTATGGGCAGCAGATAGTGCAAATGAAACAAGAATTAATAAGAC[A>G]ACACATGGCACAGATGGAGGAAATGAAAACACGGCATAAGGGAGAAATGGAGAATGCTTT-3'
Protein context (NP_005742.4, residues 445-465): IVQMKQELIR[Gln455Arg]HMAQMEEMKT